The following is an entry in ClinVar:

NM_005188.4(CBL):c.1306C>T (p.Pro436Ser)

Gene: CBL (Cbl proto-oncogene; plus strand). Cytogenetic location: 11q23.3.
Variant type: single nucleotide variant.
Coding change: c.1306C>T on transcript NM_005188.4 (MANE Select); coding-DNA position 1306, C replaced by T.
Protein change: p.Pro436Ser; replaces proline 436 with serine.
Molecular consequence: missense variant.
Genome position (GRCh38, 1-based): chr11:119,278,588, C>T. VCF-style: chr11-119278588-C-T. GRCh37 (hg19) VCF-style: chr11-119149298-C-T.
Other names: c.1306C>T (NM_005188.2); short protein forms P436S.
Identifiers: ClinVar variation 2781179 (VCV002781179.5), dbSNP rs2135304605, ClinGen allele CA382914212.

ClinVar aggregate classification (germline): Uncertain significance. Review status: criteria provided, multiple submitters, no conflicts (2 of 4 stars). 3 submissions from 3 submitters: Uncertain significance (3). Last evaluated 2025-10-22.

Conditions:
Cardiovascular phenotype. Identifiers: MedGen CN230736.
RASopathy. Also called: rasopathies; Noonan spectrum disorder. Identifiers: Orphanet 536391, MedGen C5555857, MONDO:0021060.

Submissions (3):

Ambry Genetics
Classification: Uncertain significance for Cardiovascular phenotype. Last evaluated: 2025-10-22. Review status: criteria provided, single submitter. Criteria: Ambry Variant Classification Scheme 2023. Collection method: clinical testing. Allele origin: germline.
Comment: The p.P436S variant (also known as c.1306C>T), located in coding exon 9 of the CBL gene, results from a C to T substitution at nucleotide position 1306. The proline at codon 436 is replaced by serine, an amino acid with similar properties. This amino acid position is conserved. In addition, the in silico prediction for this alteration is inconclusive. Based on the available evidence, the clinical significance of this variant remains unclear.

GeneDx
Classification: Uncertain significance. Last evaluated: 2024-05-31. Review status: criteria provided, single submitter. Criteria: GeneDx Variant Classification Process June 2021. Collection method: clinical testing. Allele origin: germline. Affected: yes.
Comment: Not observed at significant frequency in large population cohorts (gnomAD); In silico analysis supports that this missense variant has a deleterious effect on protein structure/function; Has not been previously published as pathogenic or benign to our knowledge; This variant is associated with the following publications: (PMID: 20619386)

Labcorp Genetics (formerly Invitae), Labcorp
Classification: Uncertain significance for RASopathy. Last evaluated: 2023-05-23. Review status: criteria provided, single submitter. Criteria: Invitae Variant Classification Sherloc (09022015). Collection method: clinical testing. Allele origin: germline.
Comment: This sequence change replaces proline, which is neutral and non-polar, with serine, which is neutral and polar, at codon 436 of the CBL protein (p.Pro436Ser). In summary, the available evidence is currently insufficient to determine the role of this variant in disease. Therefore, it has been classified as a Variant of Uncertain Significance. Advanced modeling of protein sequence and biophysical properties (such as structural, functional, and spatial information, amino acid conservation, physicochemical variation, residue mobility, and thermodynamic stability) has been performed at Invitae for this missense variant, however the output from this modeling did not meet the statistical confidence thresholds required to predict the impact of this variant on CBL protein function. This variant has not been reported in the literature in individuals affected with CBL-related conditions. This variant is not present in population databases (gnomAD no frequency).